The following is an entry in ClinVar:

ClinVar aggregate classification (germline): Uncertain significance (1 of 4 stars; one submission).

gnomAD v4.1: 3 of 1,614,134 alleles (0.00019%); highest among the groups gnomAD compares: Non-Finnish European, 0.00025%; no homozygotes.

Submission:

Labcorp Genetics (formerly Invitae), Labcorp
Classification: Uncertain significance. Last evaluated: 2025-02-09. Review status: criteria provided, single submitter. Criteria: Invitae Variant Classification Sherloc (09022015). Collection method: clinical testing. Allele origin: germline.
Comment: This sequence change replaces arginine, which is basic and polar, with histidine, which is basic and polar, at codon 5206 of the MACF1 protein (p.Arg5206His). This variant is present in population databases (no rsID available, gnomAD 0.0009%). This variant has not been reported in the literature in individuals affected with MACF1-related conditions. An algorithm developed to predict the effect of missense changes on protein structure and function (PolyPhen-2) suggests that this variant is likely to be disruptive. In summary, the available evidence is currently insufficient to determine the role of this variant in disease. Therefore, it has been classified as a Variant of Uncertain Significance.

NM_001394062.1(MACF1):c.21812G>A (p.Arg7271His)

Gene: MACF1 (microtubule actin crosslinking factor 1; plus strand). Cytogenetic location: 1p34.3.
Variant type: single nucleotide variant.
Coding change: c.21812G>A on transcript NM_001394062.1 (MANE Select); coding-DNA position 21812, G replaced by A.
Protein change: p.Arg7271His; replaces arginine 7271 with histidine.
Molecular consequence: missense variant.
Genome position (GRCh38, 1-based): chr1:39,468,655, G>A. VCF-style: chr1-39468655-G-A. GRCh37 (hg19) VCF-style: chr1-39934327-G-A.
Other names: c.9872G>A, p.Arg3291His (NM_001397473.1); c.15617G>A, p.Arg5206His (NM_012090.5); short protein forms R5206H, R7271H, R3291H.
Identifiers: ClinVar variation 3702123 (VCV003702123.2).
Genomic context (GRCh38, chr1:39,468,655, plus strand): 5'-AGTTTCCTTTGATTCTACAGTTTGGGGATTCTCAGCAGTTGCGGCTGGTCCGTATTCTGC[G>A]CAGCACCGTGATGGTTCGCGTTGGTGGAGGATGGATGGCCTTGGATGAATTTTTAGTGAA-3'
Protein context (NP_001380991.1, residues 7261-7281): SQQLRLVRIL[Arg7271His]STVMVRVGGG